The following is an entry in ClinVar:

NM_022552.5(DNMT3A):c.1069G>A (p.Ala357Thr)

Gene: DNMT3A (DNA methyltransferase 3 alpha; minus strand). Cytogenetic location: 2p23.3.
Variant type: single nucleotide variant.
Coding change: c.1069G>A on transcript NM_022552.5 (MANE Select); coding-DNA position 1069, G replaced by A.
Protein change: p.Ala357Thr; replaces alanine 357 with threonine.
Molecular consequence: missense variant. On other transcripts: non-coding transcript variant (1).
Genome position (GRCh38, 1-based): chr2:25,247,104, C>T on the plus strand (G>A on the coding strand, the complement: DNMT3A is on the minus strand). VCF-style: chr2-25247104-C-T. GRCh37 (hg19) VCF-style: chr2-25469973-C-T.
Other names: c.613G>A, p.Ala205Thr (NM_001320893.1); c.400G>A, p.Ala134Thr (NM_001375819.1); c.502G>A, p.Ala168Thr (NM_153759.3); c.1069G>A, p.Ala357Thr (NM_175629.2); short protein forms A168T, A205T, A357T, A134T.
Identifiers: ClinVar variation 4013946 (VCV004013946.1).
Genomic context (GRCh38, chr2:25,247,104, plus strand): 5'-CACTCACCTGCAGGACCTCGTAGATGGCTTTGCGGTACATGGGCTGCTTGTTGTACGTGG[C>T]CTGGTGGAACGCACTGCAAAACGAGCTCAGCGGCATCAGCTTCTCAACACACACCTGGGG-3'
Protein context (NP_072046.2, residues 347-367): LSSFCSAFHQ[Ala357Thr]TYNKQPMYRK

ClinVar aggregate classification (germline): Uncertain significance (1 of 4 stars; one submission).

Conditions:
Inborn genetic diseases. Identifiers: MedGen C0950123, MeSH D030342.

Submission:

Ambry Genetics
Classification: Uncertain significance for Inborn genetic diseases. Last evaluated: 2025-06-02. Review status: criteria provided, single submitter. Criteria: Ambry Variant Classification Scheme 2023. Collection method: clinical testing. Allele origin: germline.
Comment: The p.A357T variant (also known as c.1069G>A), located in coding exon 8 of the DNMT3A gene, results from a G to A substitution at nucleotide position 1069. The alanine at codon 357 is replaced by threonine, an amino acid with similar properties. This amino acid position is conserved. In addition, this alteration is predicted to be tolerated by in silico analysis. Based on the available evidence, the clinical significance of this variant remains unclear.